The following is an entry in ClinVar:

ClinVar aggregate classification (germline): Conflicting classifications of pathogenicity. Review status: criteria provided, conflicting classifications (1 of 4 stars). 2 submissions from 2 submitters: Uncertain significance (1); Likely benign (1). Last evaluated 2026-04-13.

Conditions:
Hereditary cancer-predisposing syndrome. Also called: Hereditary neoplastic syndrome; Neoplastic Syndromes, Hereditary; Tumor predisposition; Hereditary Cancer Syndrome. Identifiers: Orphanet 140162, MedGen C0027672, MeSH D009386, MONDO:0015356.
Renal cell carcinoma. Identifiers: Orphanet 217071, MedGen C0007134, MeSH D002292, MONDO:0005086, HP:0005584.

Submissions (2):

Ambry Genetics
Classification: Likely benign for Hereditary cancer-predisposing syndrome. Last evaluated: 2026-04-13. Review status: criteria provided, single submitter. Criteria: Ambry Variant Classification Scheme 2023. Collection method: clinical testing. Allele origin: germline.

Labcorp Genetics (formerly Invitae), Labcorp
Classification: Uncertain significance for Renal cell carcinoma. Last evaluated: 2020-05-14. Review status: criteria provided, single submitter. Criteria: Invitae Variant Classification Sherloc (09022015). Collection method: clinical testing. Allele origin: germline.
Comment: In summary, the available evidence is currently insufficient to determine the role of this variant in disease. Therefore, it has been classified as a Variant of Uncertain Significance. Algorithms developed to predict the effect of missense changes on protein structure and function are either unavailable or do not agree on the potential impact of this missense change (SIFT: "Tolerated"; PolyPhen-2: "Probably Damaging"; Align-GVGD: "Class C0"). This variant has not been reported in the literature in individuals with MET-related conditions. This variant is not present in population databases (ExAC no frequency). This sequence change replaces isoleucine with valine at codon 341 of the MET protein (p.Ile341Val). The isoleucine residue is moderately conserved and there is a small physicochemical difference between isoleucine and valine.

NM_000245.4(MET):c.1021A>G (p.Ile341Val)

Gene: MET (MET proto-oncogene, receptor tyrosine kinase; plus strand). Cytogenetic location: 7q31.2.
Variant type: single nucleotide variant.
Coding change: c.1021A>G on transcript NM_000245.4 (MANE Select); coding-DNA position 1021, A replaced by G.
Protein change: p.Ile341Val; replaces isoleucine 341 with valine.
Molecular consequence: missense variant. On other transcripts: intron variant (1).
Genome position (GRCh38, 1-based): chr7:116,700,105, A>G. VCF-style: chr7-116700105-A-G. GRCh37 (hg19) VCF-style: chr7-116340159-A-G.
Other names: c.1021A>G (NM_001127500.1); c.1021A>G, p.Ile341Val (NM_001127500.3, NM_001324401.3); c.-91+27528A>G (NM_001324402.2); short protein forms I341V.
Identifiers: ClinVar variation 1018484 (VCV001018484.10), dbSNP rs1791513686, ClinGen allele CA368970369.